The following is an entry in ClinVar:

ClinVar aggregate classification (germline): Uncertain significance. Review status: criteria provided, multiple submitters, no conflicts (2 of 4 stars). 3 submissions from 3 submitters: Uncertain significance (3). Last evaluated 2024-06-24.

Conditions:
Inborn genetic diseases. Identifiers: MedGen C0950123, MeSH D030342.

gnomAD v4.1: 7 of 1,613,992 alleles (0.00043%); highest among the groups gnomAD compares: African/African-American, 0.0013%; no homozygotes.

Submissions (3):

Labcorp Genetics (formerly Invitae), Labcorp
Classification: Uncertain significance. Last evaluated: 2024-06-24. Review status: criteria provided, single submitter. Criteria: Invitae Variant Classification Sherloc (09022015). Collection method: clinical testing. Allele origin: germline.
Comment: This sequence change replaces isoleucine, which is neutral and non-polar, with valine, which is neutral and non-polar, at codon 1598 of the SCN3A protein (p.Ile1598Val). This variant is not present in population databases (gnomAD no frequency). This variant has not been reported in the literature in individuals affected with SCN3A-related conditions. ClinVar contains an entry for this variant (Variation ID: 650373). Advanced modeling of protein sequence and biophysical properties (such as structural, functional, and spatial information, amino acid conservation, physicochemical variation, residue mobility, and thermodynamic stability) performed at Invitae indicates that this missense variant is not expected to disrupt SCN3A protein function with a negative predictive value of 95%. In summary, the available evidence is currently insufficient to determine the role of this variant in disease. Therefore, it has been classified as a Variant of Uncertain Significance.

Ambry Genetics
Classification: Uncertain significance for Inborn genetic diseases. Last evaluated: 2023-11-09. Review status: criteria provided, single submitter. Criteria: Ambry Variant Classification Scheme 2023. Collection method: clinical testing. Allele origin: germline.

CeGaT Center for Human Genetics Tuebingen
Classification: Uncertain significance. Last evaluated: 2022-12-01. Review status: criteria provided, single submitter. Criteria: CeGaT Center For Human Genetics Tuebingen Variant Classification Criteria Version 2. Collection method: clinical testing. Allele origin: germline. Affected: yes. Observed: 1 variant allele.
Comment: SCN3A: PM2, PP2, PP3

NM_006922.4(SCN3A):c.4792A>G (p.Ile1598Val)

Gene: SCN3A (sodium voltage-gated channel alpha subunit 3; minus strand). Cytogenetic location: 2q24.3.
Variant type: single nucleotide variant.
Coding change: c.4792A>G on transcript NM_006922.4 (MANE Select); coding-DNA position 4792, A replaced by G.
Protein change: p.Ile1598Val; replaces isoleucine 1598 with valine.
Molecular consequence: missense variant.
Genome position (GRCh38, 1-based): chr2:165,092,269, T>C on the plus strand (A>G on the coding strand, the complement: SCN3A is on the minus strand). VCF-style: chr2-165092269-T-C. GRCh37 (hg19) VCF-style: chr2-165948779-T-C.
Other names: c.4645A>G, p.Ile1549Val (NM_001081676.2, NM_001081677.2); short protein forms I1549V, I1598V.
Identifiers: ClinVar variation 650373 (VCV000650373.38), dbSNP rs1574091364, ClinGen allele CA349018722.